The following is an entry in ClinVar:

ClinVar aggregate classification (germline): Uncertain significance (1 of 4 stars; one submission).

Submission:

Labcorp Genetics (formerly Invitae), Labcorp
Classification: Uncertain significance. Last evaluated: 2022-03-26. Review status: criteria provided, single submitter. Criteria: Invitae Variant Classification Sherloc (09022015). Collection method: clinical testing. Allele origin: germline.
Comment: In summary, the available evidence is currently insufficient to determine the role of this variant in disease. Therefore, it has been classified as a Variant of Uncertain Significance. Algorithms developed to predict the effect of missense changes on protein structure and function are either unavailable or do not agree on the potential impact of this missense change (SIFT: "Tolerated"; PolyPhen-2: "Probably Damaging"; Align-GVGD: "Class C0"). This variant has not been reported in the literature in individuals affected with SZT2-related conditions. This variant is not present in population databases (gnomAD no frequency). This sequence change replaces glutamic acid, which is acidic and polar, with valine, which is neutral and non-polar, at codon 1542 of the SZT2 protein (p.Glu1542Val).

NM_001365999.1(SZT2):c.4796A>T (p.Glu1599Val)

Gene: SZT2 (SZT2 subunit of KICSTOR complex; plus strand). Cytogenetic location: 1p34.2.
Variant type: single nucleotide variant.
Coding change: c.4796A>T on transcript NM_001365999.1 (MANE Select); coding-DNA position 4796, A replaced by T.
Protein change: p.Glu1599Val; replaces glutamic acid 1599 with valine.
Molecular consequence: missense variant.
Genome position (GRCh38, 1-based): chr1:43,430,970, A>T. VCF-style: chr1-43430970-A-T. GRCh37 (hg19) VCF-style: chr1-43896641-A-T.
Other names: c.4625A>T, p.Glu1542Val (NM_015284.4); short protein forms E1599V, E1542V.
Identifiers: ClinVar variation 1946268 (VCV001946268.5), dbSNP rs2545827845, ClinGen allele CA340022753.